The following is an entry in ClinVar:

NM_001256627.2(BRSK2):c.134T>C (p.Val45Ala)

Gene: BRSK2 (BR serine/threonine kinase 2; plus strand). Cytogenetic location: 11p15.5.
Variant type: single nucleotide variant.
Coding change: c.134T>C on transcript NM_001256627.2 (MANE Select); coding-DNA position 134, T replaced by C.
Protein change: p.Val45Ala; replaces valine 45 with alanine.
Molecular consequence: missense variant. On other transcripts: 5 prime UTR variant (1), non-coding transcript variant (1).
Genome position (GRCh38, 1-based): chr11:1,436,082, T>C. VCF-style: chr11-1436082-T-C. GRCh37 (hg19) VCF-style: chr11-1457312-T-C.
Other names: c.134T>C, p.Val45Ala (NM_001256629.2, NM_003957.4); c.272T>C, p.Val91Ala (NM_001256630.1); c.-47T>C (NM_001282218.2); short protein forms V45A, V91A.
Identifiers: ClinVar variation 3365193 (VCV003365193.2).

ClinVar aggregate classification (germline): Uncertain significance (1 of 4 stars; one submission).

Submission:

GeneDx
Classification: Uncertain significance. Last evaluated: 2026-05-29. Review status: criteria provided, single submitter. Criteria: GeneDx Variant Classification Process June 2021. Collection method: clinical testing. Allele origin: germline.
Comment: Not observed at significant frequency in large population cohorts (gnomAD); In silico analysis supports that this missense variant has a deleterious effect on protein structure/function; Has not been previously published as pathogenic or benign to our knowledge